The following is an entry in ClinVar:

ClinVar aggregate classification (germline): Uncertain significance (1 of 4 stars; one submission).

Allele frequency attached by ClinVar (database versions not stated): TOPMed 0.00001.
gnomAD v4.1: 2 of 1,591,432 alleles (0.00013%); highest among the groups gnomAD compares: Admixed American, 0.0035%; no homozygotes.

Submission:

Labcorp Genetics (formerly Invitae), Labcorp
Classification: Uncertain significance. Last evaluated: 2022-01-23. Review status: criteria provided, single submitter. Criteria: Invitae Variant Classification Sherloc (09022015). Collection method: clinical testing. Allele origin: germline.
Comment: This sequence change falls in intron 5 of the STAMBP gene. It does not directly change the encoded amino acid sequence of the STAMBP protein. It affects a nucleotide within the consensus splice site. This variant is present in population databases (no rsID available, gnomAD 0.003%). This variant has not been reported in the literature in individuals affected with STAMBP-related conditions. Variants that disrupt the consensus splice site are a relatively common cause of aberrant splicing (PMID: 17576681, 9536098). Algorithms developed to predict the effect of sequence changes on RNA splicing suggest that this variant may disrupt the consensus splice site. In summary, the available evidence is currently insufficient to determine the role of this variant in disease. Therefore, it has been classified as a Variant of Uncertain Significance.

Literature cited by the submitters: PubMed 17576681; PubMed 9536098.

NM_213622.4(STAMBP):c.376-3T>G

Gene: STAMBP (STAM binding protein; plus strand). Cytogenetic location: 2p13.1.
Variant type: single nucleotide variant.
Coding change: c.376-3T>G on transcript NM_213622.4 (MANE Select); 3 bases into the intron before coding-DNA position 376, T replaced by G.
Molecular consequence: intron variant.
Genome position (GRCh38, 1-based): chr2:73,847,384, T>G. VCF-style: chr2-73847384-T-G. GRCh37 (hg19) VCF-style: chr2-74074511-T-G.
Other names: c.-30-3T>G (NM_001353976.2, NM_001353974.2, NM_001353975.2 and 3 more transcripts); c.376-3T>G (NM_001353970.2, NM_006463.6, NM_001353968.2 and 3 more transcripts).
Identifiers: ClinVar variation 1946139 (VCV001946139.2), dbSNP rs1553381817, ClinGen allele CA534126105.
Genomic context (GRCh38, chr2:73,847,384, plus strand): 5'-GTTCTCCTGAAGTGTGAAGTCACTGAGGTGTGAAGTGTTAGCCTAAATTTTCTCTCTTTG[T>G]AGAAGAAGGAAGCAGAGGAATTGGCCCGGAACATGGCCATCCAGCAAGAGCTGGAAAAGG-3'